The following is an entry in ClinVar:

ClinVar aggregate classification (germline): Uncertain significance. Review status: criteria provided, multiple submitters, no conflicts (2 of 4 stars). 2 submissions from 2 submitters: Uncertain significance (2). Last evaluated 2023-04-13.

Conditions:
Inborn genetic diseases. Identifiers: MedGen C0950123, MeSH D030342.
Pontocerebellar hypoplasia type 1A (PCH1A). Also called: PONTOCEREBELLAR HYPOPLASIA WITH ANTERIOR HORN CELL DISEASE; PONTOCEREBELLAR HYPOPLASIA WITH INFANTILE SPINAL MUSCULAR ATROPHY. Identifiers: Orphanet 2254, Orphanet 88616, MedGen C1843504, MONDO:0011866, OMIM 607596.

Allele frequency attached by ClinVar (database versions not stated): ExAC 0.00001; ESP Exome Variant Server 0.00008.
gnomAD v4.1: 17 of 1,613,916 alleles (0.0011%); highest among the groups gnomAD compares: Non-Finnish European, 0.0014%; no homozygotes.

Submissions (2):

Ambry Genetics
Classification: Uncertain significance for Inborn genetic diseases. Last evaluated: 2023-04-13. Review status: criteria provided, single submitter. Criteria: Ambry Variant Classification Scheme 2023. Collection method: clinical testing. Allele origin: germline.

Labcorp Genetics (formerly Invitae), Labcorp
Classification: Uncertain significance for Pontocerebellar hypoplasia type 1A. Last evaluated: 2021-08-24. Review status: criteria provided, single submitter. Criteria: Invitae Variant Classification Sherloc (09022015). Collection method: clinical testing. Allele origin: germline.
Comment: This sequence change replaces valine with leucine at codon 196 of the VRK1 protein (p.Val196Leu). The valine residue is highly conserved and there is a small physicochemical difference between valine and leucine. This variant is present in population databases (rs372089106, ExAC 0.001%). This variant has not been reported in the literature in individuals affected with VRK1-related conditions. Algorithms developed to predict the effect of missense changes on protein structure and function are either unavailable or do not agree on the potential impact of this missense change (SIFT: "Deleterious"; PolyPhen-2: "Benign"; Align-GVGD: "Class C25"). In summary, the available evidence is currently insufficient to determine the role of this variant in disease. Therefore, it has been classified as a Variant of Uncertain Significance.

NM_003384.3(VRK1):c.586G>C (p.Val196Leu)

Gene: VRK1 (VRK serine/threonine kinase 1; plus strand). Cytogenetic location: 14q32.2.
Variant type: single nucleotide variant.
Coding change: c.586G>C on transcript NM_003384.3 (MANE Select); coding-DNA position 586, G replaced by C.
Protein change: p.Val196Leu; replaces valine 196 with leucine.
Molecular consequence: missense variant.
Genome position (GRCh38, 1-based): chr14:96,855,233, G>C. VCF-style: chr14-96855233-G-C. GRCh37 (hg19) VCF-style: chr14-97321570-G-C.
Other names: short protein forms V196L.
Identifiers: ClinVar variation 950265 (VCV000950265.10), dbSNP rs372089106, ClinGen allele CA7339031.